The following is an entry in ClinVar:

NM_007078.3(LDB3):c.110A>G (p.Lys37Arg)

Gene: LDB3 (LIM domain binding 3; plus strand). Cytogenetic location: 10q23.2.
Variant type: single nucleotide variant.
Coding change: c.110A>G on transcript NM_007078.3 (MANE Select); coding-DNA position 110, A replaced by G.
Protein change: p.Lys37Arg; replaces lysine 37 with arginine.
Molecular consequence: missense variant.
Genome position (GRCh38, 1-based): chr10:86,679,383, A>G. VCF-style: chr10-86679383-A-G. GRCh37 (hg19) VCF-style: chr10-88439140-A-G.
Other names: c.110A>G, p.Lys37Arg (NM_001080114.2, NM_001080115.2, NM_001080116.1 and 8 more transcripts); short protein forms K37R.
Identifiers: ClinVar variation 2703588 (VCV002703588.3), dbSNP rs2132360031, ClinGen allele CA377451066.

ClinVar aggregate classification (germline): Uncertain significance (1 of 4 stars; one submission).

Conditions:
Myofibrillar myopathy 4. Also called: Zaspopathy (type). Identifiers: Orphanet 98912, MedGen C4721886, MONDO:0012277, OMIM 609452.

Submission:

Labcorp Genetics (formerly Invitae), Labcorp
Classification: Uncertain significance for Myofibrillar myopathy 4. Last evaluated: 2024-07-02. Review status: criteria provided, single submitter. Criteria: Invitae Variant Classification Sherloc (09022015). Collection method: clinical testing. Allele origin: germline.
Comment: This sequence change replaces lysine, which is basic and polar, with arginine, which is basic and polar, at codon 37 of the LDB3 protein (p.Lys37Arg). This variant is not present in population databases (gnomAD no frequency). This variant has not been reported in the literature in individuals affected with LDB3-related conditions. An algorithm developed to predict the effect of missense changes on protein structure and function (PolyPhen-2) suggests that this variant is likely to be disruptive. In summary, the available evidence is currently insufficient to determine the role of this variant in disease. Therefore, it has been classified as a Variant of Uncertain Significance.